The following is an entry in ClinVar:

ClinVar aggregate classification (germline): Uncertain significance. Review status: criteria provided, multiple submitters, no conflicts (2 of 4 stars). 2 submissions from 2 submitters: Uncertain significance (2). Last evaluated 2024-07-25.

Conditions:
Inborn genetic diseases. Identifiers: MedGen C0950123, MeSH D030342.
Epidermolysis bullosa simplex 3, localized or generalized intermediate, with BP230 deficiency (EBS3). Also called: Epidermolysis bullosa simplex, autosomal recessive 2; Epidermolysis bullosa simplex due to BP230 deficiency. Identifiers: Orphanet 412181, MedGen C3809470, MONDO:0014180, OMIM 615425.
Hereditary sensory and autonomic neuropathy type 6. Also called: HSAN VI; Neuropathy, hereditary sensory and autonomic, type VI. Identifiers: Orphanet 314381, MedGen C3539003, MONDO:0013839, OMIM 614653.

Allele frequency attached by ClinVar (database versions not stated): gnomAD exomes below 0.00001; ExAC 0.00001; gnomAD 0.00007; TOPMed 0.00010; 1000 Genomes Project 30x 0.00016; 1000 Genomes Project 0.00020.
gnomAD v4.1: 17 of 1,605,964 alleles (0.0011%); highest among the groups gnomAD compares: African/African-American, 0.016%; no homozygotes.

Submissions (2):

Labcorp Genetics (formerly Invitae), Labcorp
Classification: Uncertain significance for Epidermolysis bullosa simplex 3, localized or generalized intermediate, with BP230 deficiency; Hereditary sensory and autonomic neuropathy type 6. Last evaluated: 2024-07-25. Review status: criteria provided, single submitter. Criteria: Invitae Variant Classification Sherloc (09022015). Collection method: clinical testing. Allele origin: germline.
Comment: The DST gene has multiple clinically relevant transcripts. This variant occurs in alternate transcript NM_015548.4, and corresponds to NM_001723.5:c.*121364G>A in the primary transcript. This sequence change replaces glutamic acid, which is acidic and polar, with lysine, which is basic and polar, at codon 4128 of the DST protein (p.Glu4128Lys). This variant is present in population databases (rs538940997, gnomAD 0.02%). This variant has not been reported in the literature in individuals affected with DST-related conditions. Experimental studies and prediction algorithms are not available or were not evaluated, and the functional significance of this variant is currently unknown. In summary, the available evidence is currently insufficient to determine the role of this variant in disease. Therefore, it has been classified as a Variant of Uncertain Significance.

Ambry Genetics
Classification: Uncertain significance for Inborn genetic diseases. Last evaluated: 2019-08-28. Review status: criteria provided, single submitter. Criteria: Ambry Variant Classification Scheme 2023. Collection method: clinical testing. Allele origin: germline.
Comment: The p.E4632K variant (also known as c.13894G>A), located in coding exon 77 of the DST gene, results from a G to A substitution at nucleotide position 13894. The glutamic acid at codon 4632 is replaced by lysine, an amino acid with similar properties. This amino acid position is highly conserved in available vertebrate species. In addition, the in silico prediction for this alteration is inconclusive. Since supporting evidence is limited at this time, the clinical significance of this alteration remains unclear.

NM_001374736.1(DST):c.20251G>A (p.Glu6751Lys)

Gene: DST (dystonin; minus strand). Cytogenetic location: 6p12.1.
Variant type: single nucleotide variant.
Coding change: c.20251G>A on transcript NM_001374736.1 (MANE Select); coding-DNA position 20251, G replaced by A.
Protein change: p.Glu6751Lys; replaces glutamic acid 6751 with lysine.
Molecular consequence: missense variant.
Genome position (GRCh38, 1-based): chr6:56,494,153, C>T on the plus strand (G>A on the coding strand, the complement: DST is on the minus strand). VCF-style: chr6-56494153-C-T. GRCh37 (hg19) VCF-style: chr6-56358951-C-T.
Other names: c.13894G>A, p.Glu4632Lys (NM_001144769.5); c.13480G>A, p.Glu4494Lys (NM_001144770.2); c.20251G>A, p.Glu6751Lys (NM_001374722.1); c.19291G>A, p.Glu6431Lys (NM_001374729.1); c.13033G>A, p.Glu4345Lys (NM_001374730.1); c.20278G>A, p.Glu6760Lys (NM_001374734.1); c.13360G>A, p.Glu4454Lys (NM_001386100.1, NM_183380.4); c.12382G>A, p.Glu4128Lys (NM_015548.5); short protein forms E4632K, E6751K, E4128K, E4494K, E4345K, E6431K, E6760K, E4454K.
Identifiers: ClinVar variation 1771467 (VCV001771467.5), dbSNP rs538940997, ClinGen allele CA3866793.